The following is an entry in ClinVar:

NM_000558.5(HBA1):c.63C>A (p.His21Gln)

Genes: HBA1 (hemoglobin subunit alpha 1; plus strand), LOC106804613 (hemoglobin subunit alpha 1 recombination region; plus strand). Cytogenetic location: 16p13.3.
Variant type: single nucleotide variant.
Coding change: c.63C>A on transcript NM_000558.5 (MANE Select); coding-DNA position 63, C replaced by A.
Protein change: p.His21Gln; replaces histidine 21 with glutamine.
Molecular consequence: missense variant.
Genome position (GRCh38, 1-based): chr16:176,779, C>A. VCF-style: chr16-176779-C-A. GRCh37 (hg19) VCF-style: chr16-226778-C-A.
Other names: c.63C>A (NM_000558.3); short protein forms H21Q.
Identifiers: ClinVar variation 811635 (VCV000811635.11), dbSNP rs281864502, ClinGen allele CA276416495.

ClinVar aggregate classification (germline): Conflicting classifications of pathogenicity. Review status: criteria provided, conflicting classifications (1 of 4 stars). 2 submissions from 2 submitters: Uncertain significance (1); Likely benign (1). Last evaluated 2025-07-21.

Allele frequency attached by ClinVar (database versions not stated): TOPMed below 0.00001; gnomAD 0.00001.

Submissions (2):

ARUP Laboratories, Molecular Genetics and Genomics, ARUP Laboratories
Classification: Likely benign. Last evaluated: 2025-07-21. Review status: criteria provided, single submitter. Criteria: ARUP Molecular Germline Variant Investigation Process 2024. Collection method: clinical testing. Allele origin: germline.
Comment: The Hb Brugg variant (HBA1: c.63C>A; p.His21Gln, also known as His20Gln when numbered from the mature protein, rs281864502, ClinVar Variation ID: 811635, HbVar ID: 2673) is reported in the literature in multiple asymptomatic individuals and is reported as stable with normal oxygen affinity (see HbVar and references therein). This variant is only observed on one allele in the Genome Aggregation Database (v2.1.1), indicating it is not a common polymorphism, but is considered a low confidence variant in the database. Computational analyses are uncertain whether this variant is neutral or deleterious (REVEL: 0.639). Additionally, other variants at this codon (p.His21Arg, p.His21Pro, p.His21Tyr) have been reported in asymptomatic individuals (Fleming 1987, Wajcman 1980, Zhuang 2013). Based on available information, the Hb Brugg variant is considered to be likely benign. References: Link to HbVar database: Fleming PJ et al. Hemoglobin Hobart or alpha 20(Bl)His----Arg: a new alpha chain hemoglobin variant. Hemoglobin. 1987;11(3):211-20. PMID: 3654264. Sharma A et al. Hb Brugg [HBA1:c.63C>A]: Report of an Ultra-Rare Variant Hemoglobin and Its Co-inheritance with Hb D-Punjab. Indian J Hematol Blood Transfus. 2021 Apr;37(2):326-328. PMID: 33867742. Wajcman H et al. A silent hemoglobin variant: hemoglobin necker enfants-malades alpha 20 (B1) His leads to Tyr. Hemoglobin. 1980;4(2):177-84. PMID: 7390863. Zhuang L et al. Hb Fulton-Georgia (alpha20(B1)His?Pro; HBA1: c.62A>C): a new alpha-globin variant coinherited with alpha-thalassemia-2 (3.7 kb deletion) and Hb SC disease. Hemoglobin. 2013;37(5):481-5. PMID: 24006930.

Quest Diagnostics Nichols Institute San Juan Capistrano
Classification: Uncertain significance. Last evaluated: 2023-05-31. Review status: criteria provided, single submitter. Criteria: Quest Diagnostics criteria. Collection method: clinical testing. Allele origin: unknown.
Comment: In the published literature, this variant has been reported in individuals with hereditary spherocytosis, microcytosis, anemia, and/or iron deficiency (PMID: 21797708 (2011), 33867742 (2021)). The frequency of this variant in the general population, 0.0000052 (1/192980 chromosomes (Genome Aggregation Database)), is uninformative in the assessment of its pathogenicity. Analysis of this variant using bioinformatics tools for the prediction of the effect of amino acid changes on protein structure and function yielded conflicting predictions that this variant is deleterious or benign. Based on the available information, we are unable to determine the clinical significance of this variant.

Literature cited by the submitters: PubMed 21797708 (cited by Quest Diagnostics Nichols Institute San Juan Capistrano); PubMed 33867742 (cited by Quest Diagnostics Nichols Institute San Juan Capistrano).